The following is an entry in ClinVar:

NM_032043.3(BRIP1):c.592C>G (p.Pro198Ala)

Gene: BRIP1 (BRCA1 interacting DNA helicase 1; minus strand). Cytogenetic location: 17q23.2.
Variant type: single nucleotide variant.
Coding change: c.592C>G on transcript NM_032043.3 (MANE Select); coding-DNA position 592, C replaced by G.
Protein change: p.Pro198Ala; replaces proline 198 with alanine.
Molecular consequence: missense variant.
Genome position (GRCh38, 1-based): chr17:61,847,136, G>C on the plus strand (C>G on the coding strand, the complement: BRIP1 is on the minus strand). VCF-style: chr17-61847136-G-C. GRCh37 (hg19) VCF-style: chr17-59924497-G-C.
Other names: short protein forms P198A.
Identifiers: ClinVar variation 4789068 (VCV004789068.1).

ClinVar aggregate classification (germline): Uncertain significance (1 of 4 stars; one submission).

Conditions:
Fanconi anemia complementation group J. Also called: BRIP1-Related Fanconi Anemia. Identifiers: Orphanet 84, MedGen C1836860, MONDO:0012187, OMIM 609054.
Familial cancer of breast. Also called: BREAST CANCER, FAMILIAL; Hereditary breast cancer; hereditary breast carcinoma. Identifiers: Orphanet 227535, MedGen C0346153, MONDO:0016419, OMIM 114480. Disease mechanism: loss of function.

Submission:

Labcorp Genetics (formerly Invitae), Labcorp
Classification: Uncertain significance for Familial cancer of breast; Fanconi anemia complementation group J. Last evaluated: 2025-09-16. Review status: criteria provided, single submitter. Criteria: Invitae Variant Classification Sherloc (09022015). Collection method: clinical testing. Allele origin: germline.
Comment: This sequence change replaces proline, which is neutral and non-polar, with alanine, which is neutral and non-polar, at codon 198 of the BRIP1 protein (p.Pro198Ala). This variant is not present in population databases (gnomAD no frequency). This variant has not been reported in the literature in individuals affected with BRIP1-related conditions. Invitae Evidence Modeling of protein sequence and biophysical properties (such as structural, functional, and spatial information, amino acid conservation, physicochemical variation, residue mobility, and thermodynamic stability) indicates that this missense variant is not expected to disrupt BRIP1 protein function with a negative predictive value of 95%. In summary, the available evidence is currently insufficient to determine the role of this variant in disease. Therefore, it has been classified as a Variant of Uncertain Significance.